The following is an entry in ClinVar:

NM_001034853.2(RPGR):c.281G>A (p.Cys94Tyr)

Gene: RPGR (retinitis pigmentosa GTPase regulator; minus strand). Cytogenetic location: Xp11.4.
Variant type: single nucleotide variant.
Coding change: c.281G>A on transcript NM_001034853.2 (MANE Select); coding-DNA position 281, G replaced by A.
Protein change: p.Cys94Tyr; replaces cysteine 94 with tyrosine.
Molecular consequence: missense variant. On other transcripts: non-coding transcript variant (6).
Genome position (GRCh38, 1-based): chrX:38,321,056, C>T on the plus strand (G>A on the coding strand, the complement: RPGR is on the minus strand). VCF-style: chrX-38321056-C-T. GRCh37 (hg19) VCF-style: chrX-38180309-C-T.
Other names: c.281G>A, p.Cys94Tyr (NM_000328.3, NM_001367245.1, NM_001367246.1 and 4 more transcripts); c.311G>A, p.Cys104Tyr (NM_001367248.1); short protein forms C94Y, C104Y.
Identifiers: ClinVar variation 3648242 (VCV003648242.2).
Genomic context (GRCh38, chrX:38,321,056, plus strand): 5'-GGCAGGAAATCATACAGGTTGAGCACTATACCTGTTGACACCAGGGTGTGGTTCCTTCCA[C>T]AGGCAGCTAATTTCACTTTTTCAGGTTTTAGAGCTAAAAATATTTAAAATGGGACAATTA-3'
Protein context (NP_001030025.1, residues 84-104): LKPEKVKLAA[Cys94Tyr]GRNHTLVSTE

ClinVar aggregate classification (germline): Uncertain significance (1 of 4 stars; one submission).

Conditions:
Primary ciliary dyskinesia. Also called: Ciliary dyskinesia. Identifiers: Orphanet 244, MedGen C0008780, MONDO:0016575, HP:0012265.

Submission:

Labcorp Genetics (formerly Invitae), Labcorp
Classification: Uncertain significance for Primary ciliary dyskinesia. Last evaluated: 2024-03-30. Review status: criteria provided, single submitter. Criteria: Invitae Variant Classification Sherloc (09022015). Collection method: clinical testing. Allele origin: germline.
Comment: This sequence change replaces cysteine, which is neutral and slightly polar, with tyrosine, which is neutral and polar, at codon 94 of the RPGR protein (p.Cys94Tyr). This variant is not present in population databases (gnomAD no frequency). This variant has not been reported in the literature in individuals affected with RPGR-related conditions. Advanced modeling of protein sequence and biophysical properties (such as structural, functional, and spatial information, amino acid conservation, physicochemical variation, residue mobility, and thermodynamic stability) performed at Invitae indicates that this missense variant is expected to disrupt RPGR protein function with a positive predictive value of 95%. In summary, the available evidence is currently insufficient to determine the role of this variant in disease. Therefore, it has been classified as a Variant of Uncertain Significance.